The following is an entry in ClinVar:

NM_138927.4(SON):c.2759C>T (p.Pro920Leu)

Gene: SON (SON DNA and RNA binding protein; plus strand). Cytogenetic location: 21q22.11.
Variant type: single nucleotide variant.
Coding change: c.2759C>T on transcript NM_138927.4 (MANE Select); coding-DNA position 2759, C replaced by T.
Protein change: p.Pro920Leu; replaces proline 920 with leucine.
Molecular consequence: missense variant. On other transcripts: non-coding transcript variant (1), intron variant (1).
Genome position (GRCh38, 1-based): chr21:33,551,990, C>T. VCF-style: chr21-33551990-C-T. GRCh37 (hg19) VCF-style: chr21-34924296-C-T.
Other names: c.245-5166C>T (NM_001291412.3); c.2759C>T, p.Pro920Leu (NM_001291411.2, NM_001412133.1, NM_032195.3 and 2 more transcripts); short protein forms P920L.
Identifiers: ClinVar variation 2575804 (VCV002575804.1), dbSNP rs2517365480, ClinGen allele CA410158695.

ClinVar aggregate classification (germline): Uncertain significance (1 of 4 stars; one submission).

Submission:

GeneDx
Classification: Uncertain significance. Last evaluated: 2023-02-13. Review status: criteria provided, single submitter. Criteria: GeneDx Variant Classification Process June 2021. Collection method: clinical testing. Allele origin: germline. Affected: yes.
Comment: Not observed at significant frequency in large population cohorts (gnomAD); In silico analysis supports that this missense variant has a deleterious effect on protein structure/function; Has not been previously published as pathogenic or benign to our knowledge